The following is an entry in ClinVar:

ClinVar aggregate classification (germline): Likely benign. Review status: criteria provided, multiple submitters, no conflicts (2 of 4 stars). 3 submissions from 3 submitters: Likely benign (3). Last evaluated 2025-05-17.

Conditions:
Benign neonatal seizures. Also called: Benign familial neonatal seizures; Benign neonatal familial convulsions; Benign familial neonatal epilepsy; Convulsions benign familial neonatal dominant form; Autosomal dominant form of benign neonatal seizures. Identifiers: Orphanet 1949, MedGen C0220669, MONDO:0016027.
Inborn genetic diseases. Identifiers: MedGen C0950123, MeSH D030342.

Allele frequency attached by ClinVar (database versions not stated): gnomAD below 0.00001 and 0.00003; TOPMed below 0.00001; gnomAD exomes 0.00005 and 0.00007; ExAC 0.00009; 1000 Genomes Project 30x 0.00031; 1000 Genomes Project 0.00040.
gnomAD v4.1: 80 of 1,614,034 alleles (0.005%); highest among the groups gnomAD compares: South Asian, 0.082%; 1 homozygote.

Submissions (3):

Labcorp Genetics (formerly Invitae), Labcorp
Classification: Likely benign for Benign neonatal seizures. Last evaluated: 2025-05-17. Review status: criteria provided, single submitter. Criteria: Invitae Variant Classification Sherloc (09022015). Collection method: clinical testing. Allele origin: germline.

GeneDx
Classification: Likely benign. Last evaluated: 2016-12-23. Review status: criteria provided, single submitter. Criteria: GeneDx Variant Classification (06012015). Collection method: clinical testing. Allele origin: germline. Affected: yes.
Comment: This variant is considered likely benign or benign based on one or more of the following criteria: it is a conservative change, it occurs at a poorly conserved position in the protein, it is predicted to be benign by multiple in silico algorithms, and/or has population frequency not consistent with disease.

Ambry Genetics
Classification: Likely benign for Inborn genetic diseases. Last evaluated: 2016-09-22. Review status: criteria provided, single submitter. Criteria: Ambry Variant Classification Scheme 2023. Collection method: clinical testing. Allele origin: germline.

NM_004519.4(KCNQ3):c.609C>T (p.Ile203=)

Gene: KCNQ3 (potassium voltage-gated channel subfamily Q member 3; minus strand). Cytogenetic location: 8q24.22.
Variant type: single nucleotide variant.
Coding change: c.609C>T on transcript NM_004519.4 (MANE Select); coding-DNA position 609, C replaced by T.
Protein change: p.Ile203=; no amino-acid change (isoleucine 203 retained).
Molecular consequence: synonymous variant.
Genome position (GRCh38, 1-based): chr8:132,180,325, G>A on the plus strand (C>T on the coding strand, the complement: KCNQ3 is on the minus strand). VCF-style: chr8-132180325-G-A. GRCh37 (hg19) VCF-style: chr8-133192572-G-A.
Other names: c.249C>T, p.Ile83= (NM_001204824.2).
Identifiers: ClinVar variation 392013 (VCV000392013.10), dbSNP rs574174380, ClinGen allele CA4880873.
Genomic context (GRCh38, chr8:132,180,325, plus strand): 5'-GGCCAGAACATTGCCTTGGTTTCCCACAGCAACCACTGGCACAGAGGCAATCAGCACAAA[G>A]ATGTCTGGGAGAGAGGACAGACAGAGTGGGAGGGAAGAGGGAAAGGAAGGTCATGCGAAA-3'
Protein context (NP_004510.1, residues 193-213): FARKPLCMLD[Ile203=]FVLIASVPVV